The following is an entry in ClinVar:

NM_000214.3(JAG1):c.1835A>G (p.Lys612Arg)

Gene: JAG1 (jagged canonical Notch ligand 1; minus strand). Cytogenetic location: 20p12.2.
Variant type: single nucleotide variant.
Coding change: c.1835A>G on transcript NM_000214.3 (MANE Select); coding-DNA position 1835, A replaced by G.
Protein change: p.Lys612Arg; replaces lysine 612 with arginine.
Molecular consequence: missense variant.
Genome position (GRCh38, 1-based): chr20:10,646,989, T>C on the plus strand (A>G on the coding strand, the complement: JAG1 is on the minus strand). VCF-style: chr20-10646989-T-C. GRCh37 (hg19) VCF-style: chr20-10627637-T-C.
Other names: short protein forms K612R.
Identifiers: ClinVar variation 940114 (VCV000940114.15), dbSNP rs750855317, ClinGen allele CA9764741.

ClinVar aggregate classification (germline): Conflicting classifications of pathogenicity. Review status: criteria provided, conflicting classifications (1 of 4 stars). 4 submissions from 4 submitters: Uncertain significance (2); Likely benign (1). 1 of the submissions does not count toward it. Last evaluated 2026-01-05.

Conditions:
Cardiovascular phenotype. Identifiers: MedGen CN230736.
JAG1-related disorder. Also called: JAG1-related condition; JAG1-related disorders.
Alagille syndrome due to a JAG1 point mutation. Also called: JAG1-Related Alagille Syndrome; Alagille Syndrome 1; HEPATIC DUCTULAR HYPOPLASIA, SYNDROMATIC. Identifiers: Orphanet 261619, Orphanet 52, MedGen C1956125, MONDO:0016862, OMIM 118450.
Tetralogy of Fallot (TOF). Identifiers: Orphanet 3303, MedGen C0039685, MONDO:0008542, OMIM 187500, HP:0001636.
Deafness, congenital heart defects, and posterior embryotoxon (DCHE). Identifiers: MedGen C1866053, MONDO:0060713, OMIM 617992.
Charcot-Marie-Tooth disease, axonal, Type 2HH. Also called: CHARCOT-MARIE-TOOTH NEUROPATHY, TYPE 2HH. Identifiers: MedGen C5562003, MONDO:0030458, OMIM 619574.

Allele frequency attached by ClinVar (database versions not stated): TOPMed below 0.00001; ExAC 0.00002; gnomAD exomes 0.00002.
gnomAD v4.1: 9 of 1,614,166 alleles (0.00056%); highest among the groups gnomAD compares: East Asian, 0.0067%; no homozygotes.

Submissions (4):

Labcorp Genetics (formerly Invitae), Labcorp
Classification: Likely benign for Alagille syndrome due to a JAG1 point mutation. Last evaluated: 2026-01-05. Review status: criteria provided, single submitter. Criteria: Invitae Variant Classification Sherloc (09022015). Collection method: clinical testing. Allele origin: germline.

Fulgent Genetics
Classification: Uncertain significance for Alagille syndrome due to a JAG1 point mutation; Tetralogy of Fallot; Deafness, congenital heart defects, and posterior embryotoxon; Charcot-Marie-Tooth disease, axonal, Type 2HH. Last evaluated: 2024-03-18. Review status: criteria provided, single submitter. Criteria: ACMG Guidelines, 2015. Collection method: clinical testing. Allele origin: germline.

Ambry Genetics
Classification: Uncertain significance for Cardiovascular phenotype. Last evaluated: 2022-02-20. Review status: criteria provided, single submitter. Criteria: Ambry Variant Classification Scheme 2023. Collection method: clinical testing. Allele origin: germline.
Comment: The p.K612R variant (also known as c.1835A>G), located in coding exon 14 of the JAG1 gene, results from an A to G substitution at nucleotide position 1835. The lysine at codon 612 is replaced by arginine, an amino acid with highly similar properties. This amino acid position is conserved. In addition, the in silico prediction for this alteration is inconclusive. Since supporting evidence is limited at this time, the clinical significance of this alteration remains unclear.

PreventionGenetics, part of Exact Sciences
Classification: Uncertain significance for JAG1-related condition. Last evaluated: 2024-08-29. Review status: no assertion criteria provided. Collection method: clinical testing. Allele origin: germline. Not counted in ClinVar's aggregate classification.
Comment: The JAG1 c.1835A>G variant is predicted to result in the amino acid substitution p.Lys612Arg. To our knowledge, this variant has not been reported in the literature. This variant is reported in 0.0087% of alleles in individuals of Latino descent in gnomAD. At this time, the clinical significance of this variant is uncertain due to the absence of conclusive functional and genetic evidence.